The following is an entry in ClinVar:

ClinVar aggregate classification (germline): Conflicting classifications of pathogenicity. Review status: criteria provided, conflicting classifications (1 of 4 stars). 3 submissions from 3 submitters: Uncertain significance (1); Likely benign (2). Last evaluated 2025-12-16.

Allele frequency attached by ClinVar (database versions not stated): 1000 Genomes Project 0.00040; gnomAD 0.00007 and 0.00016; TOPMed 0.00011; ESP Exome Variant Server 0.00008; 1000 Genomes Project 30x 0.00047; gnomAD exomes 0.00072 and 0.00040; ExAC 0.00093.
gnomAD v4.1: 601 of 1,613,910 alleles (0.037%); highest among the groups gnomAD compares: South Asian, 0.46%; 7 homozygotes.

Submissions (3):

Labcorp Genetics (formerly Invitae), Labcorp
Classification: Likely benign. Last evaluated: 2025-12-16. Review status: criteria provided, single submitter. Criteria: Invitae Variant Classification Sherloc (09022015). Collection method: clinical testing. Allele origin: germline.

GeneDx
Classification: Uncertain significance. Last evaluated: 2021-06-21. Review status: criteria provided, single submitter. Criteria: GeneDx Variant Classification Process June 2021. Collection method: clinical testing. Allele origin: germline. Affected: yes.
Comment: In silico analysis supports that this missense variant has a deleterious effect on protein structure/function; Has not been previously published as pathogenic or benign to our knowledge; This variant is associated with the following publications: (PMID: 27535533)

Laboratory for Molecular Medicine, Mass General Brigham Personalized Medicine
Classification: Likely benign. Last evaluated: 2017-03-22. Review status: criteria provided, single submitter. Criteria: LMM Criteria. Collection method: clinical testing. Allele origin: germline. Observed: 1 variant allele.
Comment: proposed classification - variant undergoing re-assessment, contact laboratory

NM_001199799.2(ILDR1):c.1324C>T (p.Arg442Cys)

Gene: ILDR1 (immunoglobulin like domain containing receptor 1; minus strand). Cytogenetic location: 3q13.33.
Variant type: single nucleotide variant.
Coding change: c.1324C>T on transcript NM_001199799.2 (MANE Select); coding-DNA position 1324, C replaced by T.
Protein change: p.Arg442Cys; replaces arginine 442 with cysteine.
Molecular consequence: missense variant.
Genome position (GRCh38, 1-based): chr3:121,993,425, G>A on the plus strand (C>T on the coding strand, the complement: ILDR1 is on the minus strand). VCF-style: chr3-121993425-G-A. GRCh37 (hg19) VCF-style: chr3-121712272-G-A.
Other names: c.1057C>T, p.Arg353Cys (NM_001199800.2); c.1192C>T, p.Arg398Cys (NM_175924.4); short protein forms R442C, R398C, R353C.
Identifiers: ClinVar variation 178383 (VCV000178383.9), dbSNP rs141559449, ClinGen allele CA182225.
Genomic context (GRCh38, chr3:121,993,425, plus strand): 5'-GTCTCCCGTGCCTCTGAGTGCTCTCCCGGGGGCTGGGCCTGCGGGGCCTCTCCTGACAGC[G>A]GCTCCTGAAAGGAGGGTGGCTCGGCCGCCAGCGTGCCTCACTGGATGAGGGGACATCGCT-3'
Protein context (NP_001186728.1, residues 432-452): WRPSHPPFRS[Arg442Cys]CQERPRRPSP